The following is an entry in ClinVar:

NM_013382.7(POMT2):c.1667T>C (p.Leu556Pro)

Gene: POMT2 (protein O-mannosyltransferase 2; minus strand). Cytogenetic location: 14q24.3.
Variant type: single nucleotide variant.
Coding change: c.1667T>C on transcript NM_013382.7 (MANE Select); coding-DNA position 1667, T replaced by C.
Protein change: p.Leu556Pro; replaces leucine 556 with proline.
Molecular consequence: missense variant.
Genome position (GRCh38, 1-based): chr14:77,280,450, A>G on the plus strand (T>C on the coding strand, the complement: POMT2 is on the minus strand). VCF-style: chr14-77280450-A-G. GRCh37 (hg19) VCF-style: chr14-77746793-A-G.
Other names: short protein forms L556P.
Identifiers: ClinVar variation 1051857 (VCV001051857.8), dbSNP rs1890178559, ClinGen allele CA390515610.
Genomic context (GRCh38, chr14:77,280,450, plus strand): 5'-ACCTGATAGTTGATAGGCCAGTGCCAGGGTTTGGACGTGAACTCATTGTCCTTGGGTTTG[A>G]GGCCACTGTTCCCCTGCATGAAGGTAGCAAAGAAAGCTAGTCAAGACAGAGATCTAGAGG-3'
Protein context (NP_037514.2, residues 546-566): HMVMIRGNSG[Leu556Pro]KPKDNEFTSK

ClinVar aggregate classification (germline): Uncertain significance (1 of 4 stars; one submission).

Conditions:
Muscular dystrophy-dystroglycanopathy (congenital with brain and eye anomalies), type A2. Also called: MUSCULAR DYSTROPHY-DYSTROGLYCANOPATHY (CONGENITAL WITH BRAIN AND EYE ANOMALIES), TYPE A, 2; WALKER-WARBURG SYNDROME OR MUSCLE-EYE-BRAIN DISEASE, POMT2-RELATED. Identifiers: Orphanet 588, Orphanet 899, MedGen C3150411, MONDO:0013154, OMIM 613150.
Muscular dystrophy-dystroglycanopathy (congenital with impaired intellectual development), type B, 2. Also called: MUSCULAR DYSTROPHY, CONGENITAL, POMT2-RELATED; Muscular dystrophy-dystroglycanopathy (congenital with intellectual disability), type B2. Identifiers: MedGen C3150416, MONDO:0013160, OMIM 613156.
Autosomal recessive limb-girdle muscular dystrophy type 2N. Also called: Muscular dystrophy-dystroglycanopathy (limb-girdle), type C, 2; MUSCULAR DYSTROPHY-DYSTROGLYCANOPATHY, LIMB-GIRDLE, POMT2-RELATED. Identifiers: Orphanet 206559, MedGen C3150418, MONDO:0013162, OMIM 613158.

Allele frequency attached by ClinVar (database versions not stated): gnomAD 0.00001.
gnomAD v4.1: 2 of 1,614,040 alleles (0.00012%); highest among the groups gnomAD compares: Non-Finnish European, 0.000085%; no homozygotes.

Submission:

Labcorp Genetics (formerly Invitae), Labcorp
Classification: Uncertain significance for Muscular dystrophy-dystroglycanopathy (congenital with impaired intellectual development), type B, 2; Muscular dystrophy-dystroglycanopathy (congenital with brain and eye anomalies), type A2; Autosomal recessive limb-girdle muscular dystrophy type 2N. Last evaluated: 2020-05-30. Review status: criteria provided, single submitter. Criteria: Invitae Variant Classification Sherloc (09022015). Collection method: clinical testing. Allele origin: germline.
Comment: In summary, the available evidence is currently insufficient to determine the role of this variant in disease. Therefore, it has been classified as a Variant of Uncertain Significance. Algorithms developed to predict the effect of missense changes on protein structure and function (SIFT, PolyPhen-2, Align-GVGD) all suggest that this variant is likely to be disruptive, but these predictions have not been confirmed by published functional studies and their clinical significance is uncertain. This variant has not been reported in the literature in individuals with POMT2-related conditions. This variant is not present in population databases (ExAC no frequency). This sequence change replaces leucine with proline at codon 556 of the POMT2 protein (p.Leu556Pro). The leucine residue is highly conserved and there is a moderate physicochemical difference between leucine and proline.